The following is an entry in ClinVar:

NM_018685.5(ANLN):c.524C>T (p.Pro175Leu)

Gene: ANLN (anillin, actin binding protein; plus strand). Cytogenetic location: 7p14.2.
Variant type: single nucleotide variant.
Coding change: c.524C>T on transcript NM_018685.5 (MANE Select); coding-DNA position 524, C replaced by T.
Protein change: p.Pro175Leu; replaces proline 175 with leucine.
Molecular consequence: missense variant.
Genome position (GRCh38, 1-based): chr7:36,406,217, C>T. VCF-style: chr7-36406217-C-T. GRCh37 (hg19) VCF-style: chr7-36445826-C-T.
Other names: c.524C>T, p.Pro175Leu (NM_001284301.3, NM_001284302.3); short protein forms P175L.
Identifiers: ClinVar variation 635470 (VCV000635470.11), dbSNP rs148482760, ClinGen allele CA4219366.

ClinVar aggregate classification (germline): Conflicting classifications of pathogenicity. Review status: criteria provided, conflicting classifications (1 of 4 stars). 4 submissions from 4 submitters: Uncertain significance (2); Likely benign (1). 1 of the submissions does not count toward it. Last evaluated 2025-10-11.

Conditions:
ANLN-related disorder. Also called: ANLN-related condition.
Focal segmental glomerulosclerosis 8 (FSGS8). Identifiers: Orphanet 656, MedGen C4014993, MONDO:0014462, OMIM 616032.

Allele frequency attached by ClinVar (database versions not stated): gnomAD 0.00021 and 0.00022; gnomAD exomes 0.00022 and 0.00032; ExAC 0.00023; TOPMed 0.00028; ESP Exome Variant Server 0.00031.
gnomAD v4.1: 490 of 1,611,502 alleles (0.03%); highest among the groups gnomAD compares: Non-Finnish European, 0.04%; 1 homozygote.

Submissions (4):

Labcorp Genetics (formerly Invitae), Labcorp
Classification: Uncertain significance. Last evaluated: 2025-10-11. Review status: criteria provided, single submitter. Criteria: Invitae Variant Classification Sherloc (09022015). Collection method: clinical testing. Allele origin: germline.
Comment: This sequence change replaces proline, which is neutral and non-polar, with leucine, which is neutral and non-polar, at codon 175 of the ANLN protein (p.Pro175Leu). This variant is present in population databases (rs148482760, gnomAD 0.04%), and has an allele count higher than expected for a pathogenic variant. This variant has not been reported in the literature in individuals affected with ANLN-related conditions. ClinVar contains an entry for this variant (Variation ID: 635470). An algorithm developed to predict the effect of missense changes on protein structure and function outputs the following: PolyPhen-2: "Probably Damaging". The leucine amino acid residue is found in multiple mammalian species, which suggests that this missense change does not adversely affect protein function. In summary, the available evidence is currently insufficient to determine the role of this variant in disease. Therefore, it has been classified as a Variant of Uncertain Significance.

PreventionGenetics, part of Exact Sciences
Classification: Uncertain significance for ANLN-related condition. Last evaluated: 2024-12-27. Review status: criteria provided, single submitter. Criteria: ACMG Guidelines, 2015. Collection method: clinical testing. Allele origin: germline.
Comment: The ANLN c.524C>T variant is predicted to result in the amino acid substitution p.Pro175Leu. To our knowledge, this variant has not been reported in the literature. This variant is reported in 0.043% of alleles in individuals of European (Non-Finnish) descent in gnomAD. Although we suspect that this variant may be benign, at this time, the clinical significance of this variant is uncertain due to the absence of conclusive functional and genetic evidence.

Blueprint Genetics
Classification: Likely benign. Last evaluated: 2024-10-24. Review status: criteria provided, single submitter. Criteria: ACMG Guidelines, 2015. Collection method: clinical testing. Allele origin: germline.

Bioscientia Institut fuer Medizinische Diagnostik GmbH, Sonic Healthcare
Classification: Uncertain significance for Focal segmental glomerulosclerosis 8. Last evaluated: 2019-01-17. Review status: no assertion criteria provided. Collection method: clinical testing. Allele origin: germline. Affected: yes. Not counted in ClinVar's aggregate classification.